The following is an entry in ClinVar:

NM_000065.5(C6):c.2072C>T (p.Thr691Ile)

Gene: C6 (complement C6; minus strand). Cytogenetic location: 5p13.1.
Variant type: single nucleotide variant.
Coding change: c.2072C>T on transcript NM_000065.5 (MANE Select); coding-DNA position 2072, C replaced by T.
Protein change: p.Thr691Ile; replaces threonine 691 with isoleucine.
Molecular consequence: missense variant.
Genome position (GRCh38, 1-based): chr5:41,155,001, G>A on the plus strand (C>T on the coding strand, the complement: C6 is on the minus strand). VCF-style: chr5-41155001-G-A. GRCh37 (hg19) VCF-style: chr5-41155103-G-A.
Other names: c.2072C>T, p.Thr691Ile (NM_001115131.4); short protein forms T691I.
Identifiers: ClinVar variation 2181179 (VCV002181179.6), dbSNP rs150759810, ClinGen allele CA3252226.

ClinVar aggregate classification (germline): Uncertain significance. Review status: criteria provided, multiple submitters, no conflicts (2 of 4 stars). 2 submissions from 2 submitters: Uncertain significance (2). Last evaluated 2025-12-01.

Conditions:
Inborn genetic diseases. Identifiers: MedGen C0950123, MeSH D030342.

Allele frequency attached by ClinVar (database versions not stated): gnomAD exomes 0.00002; ExAC 0.00012; gnomAD 0.00026; TOPMed 0.00031; ESP Exome Variant Server 0.00038.
gnomAD v4.1: 72 of 1,613,586 alleles (0.0045%); highest among the groups gnomAD compares: African/African-American, 0.081%; no homozygotes.

Submissions (2):

Labcorp Genetics (formerly Invitae), Labcorp
Classification: Uncertain significance. Last evaluated: 2025-12-01. Review status: criteria provided, single submitter. Criteria: Invitae Variant Classification Sherloc (09022015). Collection method: clinical testing. Allele origin: germline.
Comment: This sequence change replaces threonine, which is neutral and polar, with isoleucine, which is neutral and non-polar, at codon 691 of the C6 protein (p.Thr691Ile). This variant is present in population databases (rs150759810, gnomAD 0.1%). This variant has not been reported in the literature in individuals affected with C6-related conditions. ClinVar contains an entry for this variant (Variation ID: 2181179). An algorithm developed to predict the effect of missense changes on protein structure and function (PolyPhen-2) suggests that this variant is likely to be disruptive. In summary, the available evidence is currently insufficient to determine the role of this variant in disease. Therefore, it has been classified as a Variant of Uncertain Significance.

Ambry Genetics
Classification: Uncertain significance for Inborn genetic diseases. Last evaluated: 2025-05-04. Review status: criteria provided, single submitter. Criteria: Ambry Variant Classification Scheme 2023. Collection method: clinical testing. Allele origin: germline.